The following is an entry in ClinVar:

NM_001127198.5(TMC6):c.205C>G (p.Arg69Gly)

Gene: TMC6 (transmembrane channel like 6; minus strand). Cytogenetic location: 17q25.3.
Variant type: single nucleotide variant.
Coding change: c.205C>G on transcript NM_001127198.5 (MANE Select); coding-DNA position 205, C replaced by G.
Protein change: p.Arg69Gly; replaces arginine 69 with glycine.
Molecular consequence: missense variant. On other transcripts: non-coding transcript variant (4).
Genome position (GRCh38, 1-based): chr17:78,126,343, G>C on the plus strand (C>G on the coding strand, the complement: TMC6 is on the minus strand). VCF-style: chr17-78126343-G-C. GRCh37 (hg19) VCF-style: chr17-76122424-G-C.
Other names: c.205C>G, p.Arg69Gly (NM_001321185.1, NM_001374593.1, NM_001374594.1 and 4 more transcripts); short protein forms R69G.
Identifiers: ClinVar variation 1407127 (VCV001407127.8), dbSNP rs529531268, ClinGen allele CA401236156.

ClinVar aggregate classification (germline): Uncertain significance (1 of 4 stars; one submission).

Conditions:
Epidermodysplasia verruciformis. Identifiers: Orphanet 302, MedGen C0014522, MONDO:0009176.

Submission:

Labcorp Genetics (formerly Invitae), Labcorp
Classification: Uncertain significance for Epidermodysplasia verruciformis. Last evaluated: 2021-07-17. Review status: criteria provided, single submitter. Criteria: Invitae Variant Classification Sherloc (09022015). Collection method: clinical testing. Allele origin: germline.
Comment: This sequence change replaces arginine with glycine at codon 69 of the TMC6 protein (p.Arg69Gly). The arginine residue is weakly conserved and there is a moderate physicochemical difference between arginine and glycine. This variant is not present in population databases (ExAC no frequency). This variant has not been reported in the literature in individuals affected with TMC6-related conditions. Algorithms developed to predict the effect of missense changes on protein structure and function output the following: SIFT: "Not Available"; PolyPhen-2: "Benign"; Align-GVGD: "Not Available". The glycine amino acid residue is found in multiple mammalian species, which suggests that this missense change does not adversely affect protein function. In summary, the available evidence is currently insufficient to determine the role of this variant in disease. Therefore, it has been classified as a Variant of Uncertain Significance.